The following is an entry in ClinVar:

ClinVar aggregate classification (germline): Uncertain significance (1 of 4 stars; one submission).

Conditions:
Charcot-Marie-Tooth disease type 4. Also called: Charcot-Marie-Tooth disease, type IV; Charcot-Marie-Tooth, Type 4. Identifiers: Orphanet 64749, MedGen C4082197, MONDO:0018995.

Allele frequency attached by ClinVar (database versions not stated): gnomAD exomes below 0.00001.
gnomAD v4.1: 1 of 1,613,344 alleles (0.000062%); highest among the groups gnomAD compares: South Asian, 0.0011%; no homozygotes.

Submission:

Labcorp Genetics (formerly Invitae), Labcorp
Classification: Uncertain significance for Charcot-Marie-Tooth disease type 4. Last evaluated: 2021-06-03. Review status: criteria provided, single submitter. Criteria: Invitae Variant Classification Sherloc (09022015). Collection method: clinical testing. Allele origin: germline.
Comment: Algorithms developed to predict the effect of missense changes on protein structure and function (SIFT, PolyPhen-2, Align-GVGD) all suggest that this variant is likely to be tolerated, but these predictions have not been confirmed by published functional studies and their clinical significance is uncertain. In summary, the available evidence is currently insufficient to determine the role of this variant in disease. Therefore, it has been classified as a Variant of Uncertain Significance. This variant has not been reported in the literature in individuals with SBF2-related conditions. This variant is not present in population databases (ExAC no frequency). This sequence change replaces glutamine with leucine at codon 1735 of the SBF2 protein (p.Gln1735Leu). The glutamine residue is moderately conserved and there is a moderate physicochemical difference between glutamine and leucine.

NM_030962.4(SBF2):c.5204A>T (p.Gln1735Leu)

Genes: SBF2 (SET binding factor 2; minus strand), SBF2-AS1 (SBF2 antisense RNA 1; plus strand), LOC105369149 (uncharacterized LOC105369149; plus strand). Cytogenetic location: 11p15.4.
Variant type: single nucleotide variant.
Coding change: c.5204A>T on transcript NM_030962.4 (MANE Select); coding-DNA position 5204, A replaced by T.
Protein change: p.Gln1735Leu; replaces glutamine 1735 with leucine.
Molecular consequence: missense variant.
Genome position (GRCh38, 1-based): chr11:9,785,152, T>A on the plus strand (A>T on the coding strand, the complement: SBF2 is on the minus strand). VCF-style: chr11-9785152-T-A. GRCh37 (hg19) VCF-style: chr11-9806699-T-A.
Other names: c.5300A>T, p.Gln1767Leu (NM_001386339.1); c.5075A>T, p.Gln1692Leu (NM_001386342.1); short protein forms Q1692L, Q1767L, Q1735L.
Identifiers: ClinVar variation 1470066 (VCV001470066.8), dbSNP rs2133849923, ClinGen allele CA379631489.